The following is an entry in ClinVar:

NM_005909.5(MAP1B):c.5089T>C (p.Ser1697Pro)

Gene: MAP1B (microtubule associated protein 1B; plus strand). Cytogenetic location: 5q13.2.
Variant type: single nucleotide variant.
Coding change: c.5089T>C on transcript NM_005909.5 (MANE Select); coding-DNA position 5089, T replaced by C.
Protein change: p.Ser1697Pro; replaces serine 1697 with proline.
Molecular consequence: missense variant.
Genome position (GRCh38, 1-based): chr5:72,198,444, T>C. VCF-style: chr5-72198444-T-C. GRCh37 (hg19) VCF-style: chr5-71494271-T-C.
Other names: c.4711T>C, p.Ser1571Pro (NM_001324255.2); short protein forms S1697P, S1571P.
Identifiers: ClinVar variation 4977442 (VCV004977442.1).

ClinVar aggregate classification (germline): Uncertain significance (1 of 4 stars; one submission).

Conditions:
MAP1B-related disorder. Also called: MAP1B-related condition.

gnomAD v4.1: 7 of 1,613,858 alleles (0.00043%); highest among the groups gnomAD compares: African/African-American, 0.0093%; no homozygotes.

Submission:

PreventionGenetics, part of Exact Sciences
Classification: Uncertain significance for MAP1B-related condition. Last evaluated: 2026-04-25. Review status: criteria provided, single submitter. Criteria: ACMG Guidelines, 2015. Collection method: clinical testing. Allele origin: germline.
Comment: The MAP1B c.5089T>C variant is predicted to result in the amino acid substitution p.Ser1697Pro. To our knowledge, this variant has not been reported in the literature. This variant is reported in 0.0080% of alleles in individuals of African descent in gnomAD. At this time, the clinical significance of this variant is uncertain due to the absence of conclusive functional and genetic evidence.